The following is an entry in ClinVar:

ClinVar aggregate classification (germline): Uncertain significance. Review status: criteria provided, multiple submitters, no conflicts (2 of 4 stars). 2 submissions from 2 submitters: Uncertain significance (2). Last evaluated 2024-08-05.

Conditions:
Inborn genetic diseases. Identifiers: MedGen C0950123, MeSH D030342.
Spondylocostal dysostosis 3, autosomal recessive (SCDO3). Also called: LFNG-Related Spondylocostal Dysostosis, Autosomal Recessive. Identifiers: Orphanet 2311, MedGen C1853296, MONDO:0012349, OMIM 609813.

Allele frequency attached by ClinVar (database versions not stated): gnomAD exomes 0.00001.
gnomAD v4.1: 8 of 1,443,842 alleles (0.00055%); highest among the groups gnomAD compares: Non-Finnish European, 0.00073%; no homozygotes.

Submissions (2):

Ambry Genetics
Classification: Uncertain significance for Inborn genetic diseases. Last evaluated: 2024-08-05. Review status: criteria provided, single submitter. Criteria: Ambry Variant Classification Scheme 2023. Collection method: clinical testing. Allele origin: germline.

Labcorp Genetics (formerly Invitae), Labcorp
Classification: Uncertain significance for Spondylocostal dysostosis 3, autosomal recessive. Last evaluated: 2022-07-26. Review status: criteria provided, single submitter. Criteria: Invitae Variant Classification Sherloc (09022015). Collection method: clinical testing. Allele origin: germline.
Comment: Algorithms developed to predict the effect of missense changes on protein structure and function (SIFT, PolyPhen-2, Align-GVGD) all suggest that this variant is likely to be tolerated. In summary, the available evidence is currently insufficient to determine the role of this variant in disease. Therefore, it has been classified as a Variant of Uncertain Significance. ClinVar contains an entry for this variant (Variation ID: 1389157). This variant has not been reported in the literature in individuals affected with LFNG-related conditions. This variant is present in population databases (no rsID available, gnomAD 0.003%). This sequence change replaces proline, which is neutral and non-polar, with arginine, which is basic and polar, at codon 96 of the LFNG protein (p.Pro96Arg).

NM_001040167.2(LFNG):c.287C>G (p.Pro96Arg)

Gene: LFNG (LFNG O-fucosylpeptide 3-beta-N-acetylglucosaminyltransferase; plus strand). Cytogenetic location: 7p22.3.
Variant type: single nucleotide variant.
Coding change: c.287C>G on transcript NM_001040167.2 (MANE Select); coding-DNA position 287, C replaced by G.
Protein change: p.Pro96Arg; replaces proline 96 with arginine.
Molecular consequence: missense variant. On other transcripts: intron variant (2).
Genome position (GRCh38, 1-based): chr7:2,520,148, C>G. VCF-style: chr7-2520148-C-G. GRCh37 (hg19) VCF-style: chr7-2559782-C-G.
Other names: c.287C>G, p.Pro96Arg (NM_001040168.2); c.220-4547C>G (NM_001166355.2); c.45+1550C>G (NM_002304.3); c.287C>G (NM_001040167.1); short protein forms P96R.
Identifiers: ClinVar variation 1389157 (VCV001389157.7), dbSNP rs1468105982, ClinGen allele CA366613585.
Genomic context (GRCh38, chr7:2,520,148, plus strand): 5'-AGTACTTCAGCCTGCTCACCCGCGCGCGCAGAGATGCGGGCCCGCCGCCCGGGGCTGCCC[C>G]CCGCCCCGCCGACGGCCACCCGCGCCCCCTGGCCGAGCCGCTCGCGCCCCGAGACGTCTT-3'
Protein context (NP_001035257.1, residues 86-106): RDAGPPPGAA[Pro96Arg]RPADGHPRPL